The following is an entry in ClinVar:

NM_000096.4(CP):c.2670C>A (p.Tyr890Ter)

Gene: CP (ceruloplasmin; minus strand). Cytogenetic location: 3q24.
Variant type: single nucleotide variant.
Coding change: c.2670C>A on transcript NM_000096.4 (MANE Select); coding-DNA position 2670, C replaced by A.
Protein change: p.Tyr890Ter; replaces tyrosine 890 with a stop codon.
Molecular consequence: nonsense. On other transcripts: non-coding transcript variant (1).
Genome position (GRCh38, 1-based): chr3:149,178,623, G>T on the plus strand (C>A on the coding strand, the complement: CP is on the minus strand). VCF-style: chr3-149178623-G-T. GRCh37 (hg19) VCF-style: chr3-148896410-G-T.
Other names: short protein forms Y890*.
Identifiers: ClinVar variation 3637928 (VCV003637928.2).

ClinVar aggregate classification (germline): Pathogenic (1 of 4 stars; one submission).

Conditions:
Deficiency of ferroxidase (ACEP). Also called: Aceruloplasminemia; Ceruloplasmin deficiency; Familial apoceruloplasmin deficiency; Hereditary ceruloplasmin deficiency; NEURODEGENERATION WITH BRAIN IRON ACCUMULATION 10; Deficiency of ceruloplasmin. Identifiers: Orphanet 48818, MedGen C0878682, MONDO:0011426, OMIM 604290, HP:0025498.

Submission:

Labcorp Genetics (formerly Invitae), Labcorp
Classification: Pathogenic for Deficiency of ferroxidase. Last evaluated: 2024-01-31. Review status: criteria provided, single submitter. Criteria: Invitae Variant Classification Sherloc (09022015). Collection method: clinical testing. Allele origin: germline.
Comment: This sequence change creates a premature translational stop signal (p.Tyr890*) in the CP gene. It is expected to result in an absent or disrupted protein product. Loss-of-function variants in CP are known to be pathogenic (PMID: 16629161). This variant is not present in population databases (gnomAD no frequency). This variant has not been reported in the literature in individuals affected with CP-related conditions. For these reasons, this variant has been classified as Pathogenic.

Literature cited by the submitters: PubMed 16629161.